The following is an entry in ClinVar:

NM_004525.3(LRP2):c.7966G>A (p.Glu2656Lys)

Gene: LRP2 (LDL receptor related protein 2; minus strand). Cytogenetic location: 2q31.1.
Variant type: single nucleotide variant.
Coding change: c.7966G>A on transcript NM_004525.3 (MANE Select); coding-DNA position 7966, G replaced by A.
Protein change: p.Glu2656Lys; replaces glutamic acid 2656 with lysine.
Molecular consequence: missense variant.
Genome position (GRCh38, 1-based): chr2:169,204,021, C>T on the plus strand (G>A on the coding strand, the complement: LRP2 is on the minus strand). VCF-style: chr2-169204021-C-T. GRCh37 (hg19) VCF-style: chr2-170060531-C-T.
Other names: short protein forms E2656K.
Identifiers: ClinVar variation 1404022 (VCV001404022.7), dbSNP rs201403741, ClinGen allele CA59931766.

ClinVar aggregate classification (germline): Uncertain significance. Review status: criteria provided, multiple submitters, no conflicts (2 of 4 stars). 3 submissions from 3 submitters: Uncertain significance (3). Last evaluated 2024-11-05.

Conditions:
Donnai-Barrow syndrome. Also called: DBS/FOAR SYNDROME; FACIOOCULOACOUSTICORENAL SYNDROME. Identifiers: Orphanet 2143, MedGen C1857277, MONDO:0009104, OMIM 222448.

Allele frequency attached by ClinVar (database versions not stated): gnomAD 0.00001; 1000 Genomes Project 30x 0.00016; 1000 Genomes Project 0.00020.
gnomAD v4.1: 4 of 1,614,192 alleles (0.00025%); highest among the groups gnomAD compares: African/African-American, 0.0053%; no homozygotes.

Submissions (3):

Labcorp Genetics (formerly Invitae), Labcorp
Classification: Uncertain significance. Last evaluated: 2024-11-05. Review status: criteria provided, single submitter. Criteria: Invitae Variant Classification Sherloc (09022015). Collection method: clinical testing. Allele origin: germline.
Comment: This sequence change replaces glutamic acid, which is acidic and polar, with lysine, which is basic and polar, at codon 2656 of the LRP2 protein (p.Glu2656Lys). This variant is not present in population databases (gnomAD no frequency). This variant has not been reported in the literature in individuals affected with LRP2-related conditions. ClinVar contains an entry for this variant (Variation ID: 1404022). Invitae Evidence Modeling of protein sequence and biophysical properties (such as structural, functional, and spatial information, amino acid conservation, physicochemical variation, residue mobility, and thermodynamic stability) indicates that this missense variant is not expected to disrupt LRP2 protein function with a negative predictive value of 80%. In summary, the available evidence is currently insufficient to determine the role of this variant in disease. Therefore, it has been classified as a Variant of Uncertain Significance.

Blueprint Genetics
Classification: Uncertain significance. Last evaluated: 2024-08-22. Review status: criteria provided, single submitter. Criteria: ACMG Guidelines, 2015. Collection method: clinical testing. Allele origin: germline.

Fulgent Genetics
Classification: Uncertain significance for Donnai-Barrow syndrome. Last evaluated: 2022-04-29. Review status: criteria provided, single submitter. Criteria: ACMG Guidelines, 2015. Collection method: clinical testing. Allele origin: unknown.